The following is an entry in ClinVar:

NM_004415.4(DSP):c.3716T>C (p.Leu1239Pro)

Gene: DSP (desmoplakin; plus strand). Cytogenetic location: 6p24.3.
Variant type: single nucleotide variant.
Coding change: c.3716T>C on transcript NM_004415.4 (MANE Select); coding-DNA position 3716, T replaced by C.
Protein change: p.Leu1239Pro; replaces leucine 1239 with proline.
Molecular consequence: missense variant. On other transcripts: intron variant (1).
Genome position (GRCh38, 1-based): chr6:7,579,906, T>C. VCF-style: chr6-7579906-T-C. GRCh37 (hg19) VCF-style: chr6-7580139-T-C.
Other names: c.3716T>C, p.Leu1239Pro (NM_001319034.2); c.3582+134T>C (NM_001008844.3); short protein forms L1239P.
Identifiers: ClinVar variation 3071293 (VCV003071293.1), dbSNP rs2533925440, ClinGen allele CA362684701.

ClinVar aggregate classification (germline): Uncertain significance (1 of 4 stars; one submission).

Conditions:
Arrhythmogenic cardiomyopathy with wooly hair and keratoderma. Also called: PALMOPLANTAR KERATODERMA WITH LEFT VENTRICULAR CARDIOMYOPATHY AND WOOLLY HAIR; Carvajal syndrome; Dilated cardiomyopathy with woolly hair and keratoderma; Arrhythmogenic cardiomyopathy with woolly hair and keratoderma. Identifiers: Orphanet 65282, MedGen C1854063, MONDO:0011581, OMIM 605676.

Submission:

All of Us Research Program, National Institutes of Health
Classification: Uncertain significance for Arrhythmogenic cardiomyopathy with wooly hair and keratoderma. Last evaluated: 2023-05-31. Review status: criteria provided, single submitter. Criteria: ACMG Guidelines, 2015. Collection method: clinical testing. Allele origin: germline. Inheritance: Autosomal dominant inheritance. Observed: 1 variant allele, 1 heterozygote.
Comment: This study involves interpretation of variants in research participants for the purpose of population health screening. Participant phenotype was not available at the time of variant classification. Additional details can be found in publication PMID: 35346344, PMCID: PMC8962531